The following is an entry in ClinVar:

NM_000273.3(GPR143):c.413C>T (p.Ala138Val)

Gene: GPR143 (G protein-coupled receptor 143; minus strand). Cytogenetic location: Xp22.2.
Variant type: single nucleotide variant.
Coding change: c.413C>T on transcript NM_000273.3 (MANE Select); coding-DNA position 413, C replaced by T.
Protein change: p.Ala138Val; replaces alanine 138 with valine.
Molecular consequence: missense variant.
Genome position (GRCh38, 1-based): chrX:9,759,374, G>A on the plus strand (C>T on the coding strand, the complement: GPR143 is on the minus strand). VCF-style: chrX-9759374-G-A. GRCh37 (hg19) VCF-style: chrX-9727414-G-A.
Other names: short protein forms A138V.
Identifiers: ClinVar variation 98634 (VCV000098634.9), dbSNP rs62635762, ClinGen allele CA226183.

ClinVar aggregate classification (germline): Pathogenic/Likely pathogenic. Review status: criteria provided, multiple submitters, no conflicts (2 of 4 stars). 3 submissions from 3 submitters: Pathogenic (1); Likely pathogenic (1). 1 of the submissions does not count toward it. Last evaluated 2025-07-03.

Allele frequency attached by ClinVar (database versions not stated): TOPMed 0.00002.

Submissions (3):

Labcorp Genetics (formerly Invitae), Labcorp
Classification: Pathogenic. Last evaluated: 2025-07-03. Review status: criteria provided, single submitter. Criteria: Invitae Variant Classification Sherloc (09022015). Collection method: clinical testing. Allele origin: germline.
Comment: This sequence change replaces alanine, which is neutral and non-polar, with valine, which is neutral and non-polar, at codon 138 of the GPR143 protein (p.Ala138Val). This variant is not present in population databases (gnomAD no frequency). This missense change has been observed in individuals with congenital nystagmus and/or ocular albinism (PMID: 9529334; internal data). It has also been observed to segregate with disease in related individuals. ClinVar contains an entry for this variant (Variation ID: 98634). Invitae Evidence Modeling of protein sequence and biophysical properties (such as structural, functional, and spatial information, amino acid conservation, physicochemical variation, residue mobility, and thermodynamic stability) has been performed for this missense variant. However, the output from this modeling did not meet the statistical confidence thresholds required to predict the impact of this variant on GPR143 protein function. Experimental studies have shown that this missense change does not substantially affect GPR143 function (PMID: 11115845). Algorithms developed to predict the effect of sequence changes on RNA splicing suggest that this variant may disrupt the consensus splice site. For these reasons, this variant has been classified as Pathogenic.

GeneDx
Classification: Likely pathogenic. Last evaluated: 2024-03-11. Review status: criteria provided, single submitter. Criteria: GeneDx Variant Classification Process June 2021. Collection method: clinical testing. Allele origin: germline. Affected: yes.
Comment: Not observed at significant frequency in large population cohorts (gnomAD); In silico analysis supports that this missense variant has a deleterious effect on protein structure/function, but is inconclusive as to whether the variant alters gene splicing; in the absence of RNA/functional studies, the actual effect of this sequence change is unknown; This variant is associated with the following publications: (PMID: 9529334, 11115845)

Retina International
No classification provided. Review status: no classification provided. Collection method: not provided. Allele origin: not provided. Not counted in ClinVar's aggregate classification.

Literature cited by the submitters: PubMed 9529334 (cited by Labcorp Genetics (formerly Invitae), Labcorp); PubMed 11115845 (cited by Labcorp Genetics (formerly Invitae), Labcorp).